The following is an entry in ClinVar:

ClinVar aggregate classification (germline): Likely benign (0 of 4 stars; one submission).

Conditions:
DNAH6-related disorder. Also called: DNAH6-related condition.

Allele frequency attached by ClinVar (database versions not stated): gnomAD 0.00001; gnomAD exomes 0.00002; TOPMed 0.00002; ExAC 0.00005.
gnomAD v4.1: 25 of 1,551,164 alleles (0.0016%); highest among the groups gnomAD compares: Non-Finnish European, 0.002%; no homozygotes.

Submission:

PreventionGenetics, part of Exact Sciences
Classification: Likely benign for DNAH6-related condition. Last evaluated: 2019-09-18. Review status: no assertion criteria provided. Collection method: clinical testing. Allele origin: germline.
Comment: This variant is classified as likely benign based on ACMG/AMP sequence variant interpretation guidelines (Richards et al. 2015 PMID: 25741868, with internal and published modifications).

NM_001370.2(DNAH6):c.5241T>C (p.His1747=)

Gene: DNAH6 (dynein axonemal heavy chain 6; plus strand). Cytogenetic location: 2p11.2.
Variant type: single nucleotide variant.
Coding change: c.5241T>C on transcript NM_001370.2 (MANE Select); coding-DNA position 5241, T replaced by C.
Protein change: p.His1747=; no amino-acid change (histidine 1747 retained).
Molecular consequence: synonymous variant.
Genome position (GRCh38, 1-based): chr2:84,653,481, T>C. VCF-style: chr2-84653481-T-C. GRCh37 (hg19) VCF-style: chr2-84880605-T-C.
Identifiers: ClinVar variation 3040539 (VCV003040539.2), dbSNP rs766030924, ClinGen allele CA1737218.